The following is an entry in ClinVar:

ClinVar aggregate classification (germline): Likely pathogenic (1 of 4 stars; one submission).

Conditions:
Lynch syndrome 5 (LYNCH5). Also called: Colorectal cancer, hereditary nonpolyposis, type 5; Hereditary non-polyposis colorectal cancer, type 5. Identifiers: Orphanet 144, MedGen C1833477, MONDO:0013710, OMIM 614350. Disease mechanism: loss of function.

Submission:

Myriad Genetics, Inc.
Classification: Likely pathogenic for Lynch syndrome 5. Last evaluated: 2023-08-24. Review status: criteria provided, single submitter. Criteria: Myriad Autosomal Dominant, Autosomal Recessive and X-Linked Classification Criteria (2023). Collection method: clinical testing. Allele origin: unknown.
Comment: This variant is considered likely pathogenic. This variant occurs within a consensus splice junction and is predicted to result in abnormal mRNA splicing of either an out-of-frame exon or an in-frame exon necessary for protein stability and/or normal function.

NM_000179.3(MSH6):c.3645_3646+3delinsCGTT

Gene: MSH6 (mutS homolog 6; plus strand). Cytogenetic location: 2p16.3.
Variant type: Indel.
Coding change: c.3645_3646+3delinsCGTT on transcript NM_000179.3 (MANE Select); coding-DNA position 3645 through 3 bases into the intron after coding-DNA position 3646, AGGTA replaced by CGTT.
Molecular consequence: splice donor variant.
Genome position (GRCh38, 1-based): chr2:47,805,706-47,805,710, AGGTA replaced by CGTT. VCF-style: chr2-47805706-AGGTA-CGTT. GRCh37 (hg19) VCF-style: chr2-48032845-AGGTA-CGTT.
Other names: c.3645_3646+3delinsCGTT (NM_001406809.1, NM_001406796.1, NM_001406808.1 and 1 more transcripts); c.2739_2740+3delinsCGTT (NM_001406811.1, NM_001406814.1, NM_001281493.2 and 6 more transcripts); c.3348_3349+3delinsCGTT (NM_001406805.1, NM_001406797.1, NM_001406801.1 and 10 more transcripts); c.3741_3742+3delinsCGTT (NM_001406795.1, NM_001406802.1); c.3651_3652+3delinsCGTT (NM_001406813.1); c.3120_3121+3delinsCGTT (NM_001406807.1, NM_001406799.1, NM_001406806.1); c.3471_3472+3delinsCGTT (NM_001406798.1); c.2781_2782+3delinsCGTT (NM_001406803.1); and 7 more.
Identifiers: ClinVar variation 2673582 (VCV002673582.1), dbSNP rs2530826030, ClinGen allele CA2695200588.
Genomic context (GRCh38, chr2:47,805,706, plus strand): 5'-TGAAACTGCCAGCATACTCATGCATGCAACAGCACATTCTCTGGTGCTTGTGGATGAATT[AGGTA>CGTT]AGACATTAAACTTCTCATTTGAAGACTATCTATCTTAAAAACATTTGTACAAATAACTAT-3'